The following is an entry in ClinVar:

NM_000038.6(APC):c.1903G>T (p.Gly635Ter)

Gene: APC (APC regulator of Wnt signaling pathway; plus strand). Cytogenetic location: 5q22.2.
Variant type: single nucleotide variant.
Coding change: c.1903G>T on transcript NM_000038.6 (MANE Select); coding-DNA position 1903, G replaced by T.
Protein change: p.Gly635Ter; replaces glycine 635 with a stop codon.
Molecular consequence: nonsense.
Genome position (GRCh38, 1-based): chr5:112,835,110, G>T. VCF-style: chr5-112835110-G-T. GRCh37 (hg19) VCF-style: chr5-112170807-G-T.
Other names: c.1903G>T, p.Gly635Ter (NM_001127510.3, NM_001354895.2); c.1849G>T, p.Gly617Ter (NM_001127511.3); c.1957G>T, p.Gly653Ter (NM_001354896.2); c.1933G>T, p.Gly645Ter (NM_001354897.2); c.1828G>T, p.Gly610Ter (NM_001354898.2); c.1819G>T, p.Gly607Ter (NM_001354899.2); c.1780G>T, p.Gly594Ter (NM_001354900.2); c.1726G>T, p.Gly576Ter (NM_001354901.2); and 5 more; short protein forms G617*, G635*, G544*, G576*, G645*, G352*, G475*, G607*.
Identifiers: ClinVar variation 537470 (VCV000537470.12), dbSNP rs1554083205, ClinGen allele CA16025482.

ClinVar aggregate classification (germline): Pathogenic. Review status: criteria provided, multiple submitters, no conflicts (2 of 4 stars). 3 submissions from 3 submitters: Pathogenic (3). Last evaluated 2024-04-19.

Conditions:
Hereditary cancer-predisposing syndrome. Also called: Tumor predisposition; Hereditary Cancer Syndrome; Hereditary neoplastic syndrome; Neoplastic Syndromes, Hereditary. Identifiers: Orphanet 140162, MedGen C0027672, MeSH D009386, MONDO:0015356.
Familial adenomatous polyposis 1 (FAP1). Also called: FAMILIAL ADENOMATOUS POLYPOSIS 1, ATTENUATED; POLYPOSIS, ADENOMATOUS INTESTINAL. Identifiers: MedGen C2713442, MONDO:0021056, OMIM 175100. Disease mechanism: loss of function.

Submissions (3):

Ambry Genetics
Classification: Pathogenic for Hereditary cancer-predisposing syndrome. Last evaluated: 2024-04-19. Review status: criteria provided, single submitter. Criteria: Ambry Variant Classification Scheme 2023. Collection method: clinical testing. Allele origin: germline.
Comment: The p.G635* pathogenic mutation (also known as c.1903G>T), located in coding exon 14 of the APC gene, results from a G to T substitution at nucleotide position 1903. This changes the amino acid from a glycine to a stop codon within coding exon 14. This variant has been observed in at least one individual with a personal and/or family history that is consistent with APC-associated disease (Ambry internal data). This variant is considered to be rare based on population cohorts in the Genome Aggregation Database (gnomAD). This alteration is expected to result in loss of function by premature protein truncation or nonsense-mediated mRNA decay. As such, this alteration is interpreted as a disease-causing mutation.

Myriad Genetics, Inc.
Classification: Pathogenic for Familial adenomatous polyposis 1. Last evaluated: 2023-05-03. Review status: criteria provided, single submitter. Criteria: Myriad Autosomal Dominant, Autosomal Recessive and X-Linked Classification Criteria (2023). Collection method: clinical testing. Allele origin: unknown.
Comment: This variant is considered pathogenic. This variant creates a termination codon and is predicted to result in premature protein truncation.

Labcorp Genetics (formerly Invitae), Labcorp
Classification: Pathogenic for Familial adenomatous polyposis 1. Last evaluated: 2020-05-27. Review status: criteria provided, single submitter. Criteria: Invitae Variant Classification Sherloc (09022015). Collection method: clinical testing. Allele origin: germline.
Comment: This sequence change creates a premature translational stop signal (p.Gly635*) in the APC gene. It is expected to result in an absent or disrupted protein product. This variant is not present in population databases (ExAC no frequency). For these reasons, this variant has been classified as Pathogenic. Loss-of-function variants in APC are known to be pathogenic (PMID: 17963004, 20685668). This variant has been observed in individual(s) with pancreatic ductal adenocarcinoma (PMID: 30274973). ClinVar contains an entry for this variant (Variation ID: 537470).

Literature cited by the submitters: PubMed 17963004 (cited by Labcorp Genetics (formerly Invitae), Labcorp); PubMed 20685668 (cited by Labcorp Genetics (formerly Invitae), Labcorp); PubMed 30274973 (cited by Labcorp Genetics (formerly Invitae), Labcorp).